The following is an entry in ClinVar:

NM_013339.4(ALG6):c.593dup (p.Asn198fs)

Gene: ALG6 (ALG6 alpha-1,3-glucosyltransferase; plus strand). Cytogenetic location: 1p31.3.
Variant type: Duplication.
Coding change: c.593dup on transcript NM_013339.4 (MANE Select); coding-DNA position 593, one base duplicated (A; older notation c.593dupA).
Protein change: p.Asn198fs; shifts the reading frame from asparagine 198.
Molecular consequence: frameshift variant.
Genome position (GRCh38, 1-based): chr1:63,411,244, A duplicated; the last of 3 consecutive A bases (chr1:63,411,242-63,411,244); duplicating any one gives the same sequence. VCF-style (leftmost placement, unchanged base first): chr1-63411241-T-TA. GRCh37 (hg19) VCF-style: chr1-63876912-T-TA.
Other names: short protein forms N198fs.
Identifiers: ClinVar variation 5012411 (VCV005012411.1).

ClinVar aggregate classification (germline): Pathogenic (1 of 4 stars; one submission).

Conditions:
ALG6-congenital disorder of glycosylation 1C (CDG1C). Also called: CDG Ic; CARBOHYDRATE-DEFICIENT GLYCOPROTEIN SYNDROME, TYPE I, WITH DEFICIENT GLYCOSYLATION OF DOLICHOL-LINKED OLIGOSACCHARIDE; CARBOHYDRATE-DEFICIENT GLYCOPROTEIN SYNDROME, TYPE V; Congenital disorder of glycosylation type 1C; Congenital disorder of glycosylation, type Ic. Identifiers: Orphanet 79320, MedGen C2930997, MONDO:0011291, OMIM 603147.

Submission:

Myriad Genetics, Inc.
Classification: Pathogenic for ALG6-congenital disorder of glycosylation 1C. Last evaluated: 2023-10-21. Review status: criteria provided, single submitter. Criteria: Myriad Autosomal Dominant, Autosomal Recessive and X-Linked Classification Criteria (2023). Collection method: clinical testing. Allele origin: unknown.
Comment: NM_013339.3(ALG6):c.593dupA(N198Kfs*3) is expected to be pathogenic in the context of congenital disorder of glycosylation, ALG6-related. This variant is predicted to lead to an abnormal or absent protein product due to the creation of a premature termination codon in ALG6, a gene where loss-of-function variants are known to be pathogenic. Please note: this variant was assessed in the context of healthy population screening.